The following is an entry in ClinVar:

ClinVar aggregate classification (germline): Uncertain significance. Review status: criteria provided, multiple submitters, no conflicts (2 of 4 stars). 4 submissions from 4 submitters: Uncertain significance (4). Last evaluated 2022-07-27.

Conditions:
Muscular dystrophy-dystroglycanopathy (congenital with impaired intellectual development), type B, 3. Also called: Muscular dystrophy-dystroglycanopathy (congenital with intellectual disability), type B3; MUSCULAR DYSTROPHY, CONGENITAL, POMGNT1-RELATED. Identifiers: MedGen C3150412, MONDO:0013155, OMIM 613151.
Autosomal recessive limb-girdle muscular dystrophy type 2O. Also called: Limb-Girdle Muscular Dystrophy Type 3C; MUSCULAR DYSTROPHY-DYSTROGLYCANOPATHY (LIMB-GIRDLE), TYPE C, 3; MUSCULAR DYSTROPHY-DYSTROGLYCANOPATHY, LIMB-GIRDLE, POMGNT1-RELATED. Identifiers: Orphanet 206564, MedGen C3150417, MONDO:0013161, OMIM 613157.
Muscle eye brain disease (MEB). Also called: Santavuori congenital muscular dystrophy. Identifiers: Orphanet 588, Orphanet 899, MedGen C0457133, MONDO:0018939.

Allele frequency attached by ClinVar (database versions not stated): gnomAD 0.00002 and 0.00003; gnomAD exomes 0.00004; ExAC 0.00005; TOPMed 0.00001.
gnomAD v4.1: 14 of 1,614,102 alleles (0.00087%); highest among the groups gnomAD compares: Admixed American, 0.023%; no homozygotes.

Submissions (4):

Labcorp Genetics (formerly Invitae), Labcorp
Classification: Uncertain significance for Autosomal recessive limb-girdle muscular dystrophy type 2O; Muscular dystrophy-dystroglycanopathy (congenital with impaired intellectual development), type B, 3. Last evaluated: 2022-07-27. Review status: criteria provided, single submitter. Criteria: Invitae Variant Classification Sherloc (09022015). Collection method: clinical testing. Allele origin: germline.
Comment: This sequence change replaces glutamic acid, which is acidic and polar, with aspartic acid, which is acidic and polar, at codon 251 of the POMGNT1 protein (p.Glu251Asp). This variant is present in population databases (rs751316371, gnomAD 0.03%). This variant has not been reported in the literature in individuals affected with POMGNT1-related conditions. ClinVar contains an entry for this variant (Variation ID: 561091). Algorithms developed to predict the effect of missense changes on protein structure and function output the following: SIFT: "Tolerated"; PolyPhen-2: "Benign"; Align-GVGD: "Class C0". The aspartic acid amino acid residue is found in multiple mammalian species, which suggests that this missense change does not adversely affect protein function. Algorithms developed to predict the effect of sequence changes on RNA splicing suggest that this variant may disrupt the consensus splice site. In summary, the available evidence is currently insufficient to determine the role of this variant in disease. Therefore, it has been classified as a Variant of Uncertain Significance.

Revvity Omics, Revvity
Classification: Uncertain significance. Last evaluated: 2022-04-20. Review status: criteria provided, single submitter. Criteria: ACMG Guidelines, 2015. Collection method: clinical testing. Allele origin: germline.

GeneDx
Classification: Uncertain significance. Last evaluated: 2019-03-15. Review status: criteria provided, single submitter. Criteria: GeneDx Variant Classification Process June 2021. Collection method: clinical testing. Allele origin: germline. Affected: yes.
Comment: Has not been previously published as pathogenic or benign to our knowledge; In silico analysis, which includes protein predictors and evolutionary conservation, supports that this variant does not alter protein structure/function; The majority of missense variants in this gene are considered pathogenic (Stenson et al., 2014); This variant is associated with the following publications: (PMID: 25326635)

Baylor Genetics
Classification: Uncertain significance for Muscular dystrophy-dystroglycanopathy (congenital with brain and eye anomalies), type A3. Last evaluated: 2017-09-01. Review status: criteria provided, single submitter. Criteria: ACMG Guidelines, 2015. Collection method: clinical testing. Allele origin: germline. Inheritance: Autosomal recessive inheritance. Affected: yes.

Literature cited by the submitters: PubMed 25326635 (cited by Baylor Genetics).

NM_017739.4(POMGNT1):c.753G>T (p.Glu251Asp)

Genes: POMGNT1 (protein O-linked mannose N-acetylglucosaminyltransferase 1 (beta 1,2-); minus strand), TSPAN1 (tetraspanin 1; plus strand). Cytogenetic location: 1p34.1.
Variant type: single nucleotide variant.
Coding change: c.753G>T on transcript NM_017739.4 (MANE Select); coding-DNA position 753, G replaced by T.
Protein change: p.Glu251Asp; replaces glutamic acid 251 with aspartic acid.
Molecular consequence: missense variant.
Genome position (GRCh38, 1-based): chr1:46,194,400, C>A on the plus strand (G>T on the coding strand, the complement: POMGNT1 is on the minus strand). VCF-style: chr1-46194400-C-A. GRCh37 (hg19) VCF-style: chr1-46660072-C-A.
Other names: c.753G>T, p.Glu251Asp (NM_001243766.2, NM_001410783.1); c.687G>T, p.Glu229Asp (NM_001290129.3); c.324G>T, p.Glu108Asp (NM_001290130.2); short protein forms E251D, E229D, E108D.
Identifiers: ClinVar variation 561091 (VCV000561091.8), dbSNP rs751316371, ClinGen allele CA833611.